The following is an entry in ClinVar:

NM_000392.5(ABCC2):c.2504G>A (p.Gly835Glu)

Gene: ABCC2 (ATP binding cassette subfamily C member 2; plus strand). Cytogenetic location: 10q24.2.
Variant type: single nucleotide variant.
Coding change: c.2504G>A on transcript NM_000392.5 (MANE Select); coding-DNA position 2504, G replaced by A.
Protein change: p.Gly835Glu; replaces glycine 835 with glutamic acid.
Molecular consequence: missense variant.
Genome position (GRCh38, 1-based): chr10:99,819,153, G>A. VCF-style: chr10-99819153-G-A. GRCh37 (hg19) VCF-style: chr10-101578910-G-A.
Other names: c.2504G>A (NM_000392.4, NM_000392.3); c.2504G>A, p.Gly835Glu (LRG_1208t1); short protein forms G835E.
Identifiers: ClinVar variation 502277 (VCV000502277.8), dbSNP rs369677401, ClinGen allele CA5643502.

ClinVar aggregate classification (germline): Uncertain significance. Review status: criteria provided, multiple submitters, no conflicts (2 of 4 stars). 3 submissions from 3 submitters: Uncertain significance (3). Last evaluated 2026-05-11.

Conditions:
Inborn genetic diseases. Identifiers: MedGen C0950123, MeSH D030342.
ABCC2-related disorder. Also called: ABCC2-related condition.

Allele frequency attached by ClinVar (database versions not stated): ExAC 0.00001; gnomAD 0.00002; TOPMed 0.00003; ESP Exome Variant Server 0.00008.
gnomAD v4.1: 100 of 1,613,956 alleles (0.0062%); highest among the groups gnomAD compares: Non-Finnish European, 0.0078%; no homozygotes.

Submissions (3):

PreventionGenetics, part of Exact Sciences
Classification: Uncertain significance for ABCC2-related condition. Last evaluated: 2026-05-11. Review status: criteria provided, single submitter. Criteria: ACMG Guidelines, 2015. Collection method: clinical testing. Allele origin: germline.
Comment: The ABCC2 c.2504G>A variant is predicted to result in the amino acid substitution p.Gly835Glu. To our knowledge, this variant has not been reported in the literature. This variant is reported in 0.0065% of alleles in individuals of South Asian descent in gnomAD. At this time, the clinical significance of this variant is uncertain due to the absence of conclusive functional and genetic evidence.

Ambry Genetics
Classification: Uncertain significance for Inborn genetic diseases. Last evaluated: 2025-01-09. Review status: criteria provided, single submitter. Criteria: Ambry Variant Classification Scheme 2023. Collection method: clinical testing. Allele origin: germline.

Eurofins Ntd Llc (ga)
Classification: Uncertain significance. Last evaluated: 2017-05-25. Review status: criteria provided, single submitter. Criteria: EGL Classification Definitions 2015. Collection method: clinical testing. Allele origin: germline. Observed: 1 variant allele, 1 heterozygote.